The following is an entry in ClinVar:

NM_001278512.2(AP3B2):c.2854T>C (p.Ser952Pro)

Genes: AP3B2 (adaptor related protein complex 3 subunit beta 2; minus strand), CPEB1-AS1 (CPEB1 antisense RNA 1; plus strand). Cytogenetic location: 15q25.2.
Variant type: single nucleotide variant.
Coding change: c.2854T>C on transcript NM_001278512.2 (MANE Select); coding-DNA position 2854, T replaced by C.
Protein change: p.Ser952Pro; replaces serine 952 with proline.
Molecular consequence: missense variant. On other transcripts: 5 prime UTR variant (1).
Genome position (GRCh38, 1-based): chr15:82,662,232, A>G on the plus strand (T>C on the coding strand, the complement: AP3B2 is on the minus strand). VCF-style: chr15-82662232-A-G. GRCh37 (hg19) VCF-style: chr15-83330984-A-G.
Other names: c.2701T>C, p.Ser901Pro (NM_001278511.2); c.-15T>C (NM_001348441.2); c.2797T>C, p.Ser933Pro (NM_004644.5); short protein forms S901P, S952P, S933P.
Identifiers: ClinVar variation 1351434 (VCV001351434.6), dbSNP rs1438891892, ClinGen allele CA393307779.

ClinVar aggregate classification (germline): Uncertain significance (1 of 4 stars; one submission).

Allele frequency attached by ClinVar (database versions not stated): gnomAD exomes below 0.00001.
gnomAD v4.1: 1 of 1,600,364 alleles (0.000062%); highest among the groups gnomAD compares: East Asian, 0.0022%; no homozygotes.

Submission:

Labcorp Genetics (formerly Invitae), Labcorp
Classification: Uncertain significance. Last evaluated: 2022-07-19. Review status: criteria provided, single submitter. Criteria: Invitae Variant Classification Sherloc (09022015). Collection method: clinical testing. Allele origin: germline.
Comment: In summary, the available evidence is currently insufficient to determine the role of this variant in disease. Therefore, it has been classified as a Variant of Uncertain Significance. Algorithms developed to predict the effect of missense changes on protein structure and function (SIFT, PolyPhen-2, Align-GVGD) all suggest that this variant is likely to be tolerated. ClinVar contains an entry for this variant (Variation ID: 1351434). This variant has not been reported in the literature in individuals affected with AP3B2-related conditions. The frequency data for this variant in the population databases is considered unreliable, as metrics indicate poor data quality at this position in the gnomAD database. This sequence change replaces serine, which is neutral and polar, with proline, which is neutral and non-polar, at codon 933 of the AP3B2 protein (p.Ser933Pro).